The following is an entry in ClinVar:

ClinVar aggregate classification (germline): Pathogenic/Likely pathogenic. Review status: criteria provided, multiple submitters, no conflicts (2 of 4 stars). 4 submissions from 4 submitters: Pathogenic (3); Likely pathogenic (1). Last evaluated 2024-07-16.

Conditions:
Hereditary cancer-predisposing syndrome. Also called: Neoplastic Syndromes, Hereditary; Tumor predisposition; Hereditary neoplastic syndrome; Hereditary Cancer Syndrome. Identifiers: Orphanet 140162, MedGen C0027672, MeSH D009386, MONDO:0015356.
Familial cancer of breast. Also called: BREAST CANCER, FAMILIAL; Hereditary breast cancer; hereditary breast carcinoma. Identifiers: Orphanet 227535, MedGen C0346153, MONDO:0016419, OMIM 114480. Disease mechanism: loss of function.

Submissions (4):

Labcorp Genetics (formerly Invitae), Labcorp
Classification: Pathogenic for Familial cancer of breast. Last evaluated: 2024-07-16. Review status: criteria provided, single submitter. Criteria: Invitae Variant Classification Sherloc (09022015). Collection method: clinical testing. Allele origin: germline.
Comment: This sequence change creates a premature translational stop signal (p.Glu180*) in the PALB2 gene. It is expected to result in an absent or disrupted protein product. Loss-of-function variants in PALB2 are known to be pathogenic (PMID: 17200668, 17200671, 17200672, 24136930, 25099575). This variant is not present in population databases (gnomAD no frequency). This variant has not been reported in the literature in individuals affected with PALB2-related conditions. For these reasons, this variant has been classified as Pathogenic.

Myriad Genetics, Inc.
Classification: Pathogenic for Familial cancer of breast. Last evaluated: 2023-09-06. Review status: criteria provided, single submitter. Criteria: Myriad Autosomal Dominant, Autosomal Recessive and X-Linked Classification Criteria (2023). Collection method: clinical testing. Allele origin: unknown.
Comment: This variant is considered pathogenic. This variant creates a termination codon and is predicted to result in premature protein truncation.

Baylor Genetics
Classification: Likely pathogenic for Familial cancer of breast. Last evaluated: 2023-02-21. Review status: criteria provided, single submitter. Criteria: ACMG Guidelines, 2015. Collection method: clinical testing. Allele origin: unknown.

Ambry Genetics
Classification: Pathogenic for Hereditary cancer-predisposing syndrome. Last evaluated: 2022-11-14. Review status: criteria provided, single submitter. Criteria: Ambry Variant Classification Scheme 2023. Collection method: clinical testing. Allele origin: germline.
Comment: The c.538_539delGAins10 pathogenic mutation, located in coding exon 4 of the PALB2 gene, results from the deletion of two nucleotides and insertion of 10 nucleotides at nucleotide positions 538 and 539. This changes the amino acid from a glycine to an immediate stop codon (p.E180*). While this exact alteration has not been reported in the literature, a different mutation resulting in the same stop codon (c.538G>T) has been reported with a carrier frequency of 0.00014 in 7051 unselected patients with breast cancer and 0.00 in 11241 female controls of Japanese ancestry (Momozawa et al. Nat Commun 2018 10;9(1):4083). In addition to the clinical data presented in the literature, this alteration is expected to result in loss of function by premature protein truncation or nonsense-mediated mRNA decay. As such, this alteration is interpreted as a disease-causing mutation.

Literature cited by the submitters: PubMed 17200668 (cited by Labcorp Genetics (formerly Invitae), Labcorp); PubMed 17200671 (cited by Labcorp Genetics (formerly Invitae), Labcorp); PubMed 17200672 (cited by Labcorp Genetics (formerly Invitae), Labcorp); PubMed 24136930 (cited by Labcorp Genetics (formerly Invitae), Labcorp); PubMed 25099575 (cited by Labcorp Genetics (formerly Invitae), Labcorp); PubMed 30287823 (cited by Ambry Genetics).

NM_024675.4(PALB2):c.538_539delinsTAGTTCCTTT (p.Glu180Ter)

Gene: PALB2 (partner and localizer of BRCA2; minus strand). Cytogenetic location: 16p12.2.
Variant type: Indel.
Coding change: c.538_539delinsTAGTTCCTTT on transcript NM_024675.4 (MANE Select); coding-DNA positions 538 to 539, GA replaced by TAGTTCCTTT.
Protein change: p.Glu180Ter; replaces glutamic acid 180 with a stop codon.
Molecular consequence: nonsense.
Genome position (GRCh38, 1-based): chr16:23,636,007-23,636,008, TC replaced by AAAGGAACTA on the plus strand (GA replaced by TAGTTCCTTT on the coding strand, the reverse complement: PALB2 is on the minus strand). VCF-style: chr16-23636007-TC-AAAGGAACTA. GRCh37 (hg19) VCF-style: chr16-23647328-TC-AAAGGAACTA.
Other names: c.538_539delinsTAGTTCCTTT (NM_024675.3); short protein forms E180*.
Identifiers: ClinVar variation 825690 (VCV000825690.13), dbSNP rs1597098943, ClinGen allele CA915949132.